The following is an entry in ClinVar:

ClinVar aggregate classification (germline): Pathogenic (1 of 4 stars; one submission).

Conditions:
XK-related disorder. Also called: XK-related condition.

Submission:

PreventionGenetics, part of Exact Sciences
Classification: Pathogenic for XK-related condition. Last evaluated: 2026-08-19. Review status: criteria provided, single submitter. Criteria: ACMG Guidelines, 2015. Collection method: clinical testing. Allele origin: germline.
Comment: The XK c.577A>T variant is predicted to result in premature protein termination (p.Lys193*). This variant was reported in an individual with McLeod syndrome (Floch et al. 2021. PubMed ID: 34487382). This variant has not been reported in a large population database (gnomAD), indicating this variant is rare. Nonsense variants in XK are expected to be pathogenic. This variant is interpreted as pathogenic.

NM_021083.4(XK):c.577A>T (p.Lys193Ter)

Gene: XK (X-linked Kx blood group antigen, Kell and VPS13A binding protein; plus strand). Cytogenetic location: Xp21.1.
Variant type: single nucleotide variant.
Coding change: c.577A>T on transcript NM_021083.4 (MANE Select); coding-DNA position 577, A replaced by T.
Protein change: p.Lys193Ter; replaces lysine 193 with a stop codon.
Molecular consequence: nonsense.
Genome position (GRCh38, 1-based): chrX:37,727,704, A>T. VCF-style: chrX-37727704-A-T. GRCh37 (hg19) VCF-style: chrX-37586957-A-T.
Other names: short protein forms K193*.
Identifiers: ClinVar variation 4993248 (VCV004993248.1).